The following is an entry in ClinVar:

NM_004168.4(SDHA):c.1325C>T (p.Ala442Val)

Gene: SDHA (succinate dehydrogenase complex flavoprotein subunit A; plus strand). Cytogenetic location: 5p15.33.
Variant type: single nucleotide variant.
Coding change: c.1325C>T on transcript NM_004168.4 (MANE Select); coding-DNA position 1325, C replaced by T.
Protein change: p.Ala442Val; replaces alanine 442 with valine.
Molecular consequence: missense variant.
Genome position (GRCh38, 1-based): chr5:236,492, C>T. VCF-style: chr5-236492-C-T. GRCh37 (hg19) VCF-style: chr5-236607-C-T.
Other names: c.1181C>T, p.Ala394Val (NM_001294332.2); c.1325C>T, p.Ala442Val (NM_001330758.2); short protein forms A442V, A394V.
Identifiers: ClinVar variation 1769994 (VCV001769994.5), dbSNP rs2477375390, ClinGen allele CA359013933.
Genomic context (GRCh38, chr5:236,492, plus strand): 5'-TGAGGCACGTGAATGGCCAGGATCAGATTGTGCCCGGCCTGTACGCCTGTGGGGAGGCCG[C>T]CTGTGCCTCGGTACATGGTGCCAACCGCCTCGGGGCAAACTCGCTCTTGGACCTGGTTGT-3'
Protein context (NP_004159.2, residues 432-452): VPGLYACGEA[Ala442Val]CASVHGANRL

ClinVar aggregate classification (germline): Uncertain significance. Review status: criteria provided, multiple submitters, no conflicts (2 of 4 stars). 2 submissions from 2 submitters: Uncertain significance (2). Last evaluated 2023-08-01.

Conditions:
Mitochondrial complex II deficiency, nuclear type 1. Also called: SUCCINATE CoQ REDUCTASE DEFICIENCY. Identifiers: Orphanet 3208, MedGen C5700310, MONDO:0100294, OMIM 252011.
Pheochromocytoma/paraganglioma syndrome 5. Also called: Paragangliomas 5; SDHA-Related Hereditary Paraganglioma-Pheochromocytoma Syndrome. Identifiers: Orphanet 29072, MedGen C3279992, MONDO:0013602, OMIM 614165.
Hereditary cancer-predisposing syndrome. Also called: Hereditary Cancer Syndrome; Hereditary neoplastic syndrome; Neoplastic Syndromes, Hereditary; Tumor predisposition. Identifiers: Orphanet 140162, MedGen C0027672, MeSH D009386, MONDO:0015356.

Allele frequency attached by ClinVar (database versions not stated): gnomAD exomes below 0.00001.
gnomAD v4.1: 2 of 1,613,974 alleles (0.00012%); highest among the groups gnomAD compares: Non-Finnish European, 0.00017%; no homozygotes.

Submissions (2):

Labcorp Genetics (formerly Invitae), Labcorp
Classification: Uncertain significance for Pheochromocytoma/paraganglioma syndrome 5; Mitochondrial complex II deficiency, nuclear type 1. Last evaluated: 2023-08-01. Review status: criteria provided, single submitter. Criteria: Invitae Variant Classification Sherloc (09022015). Collection method: clinical testing. Allele origin: germline.
Comment: ClinVar contains an entry for this variant (Variation ID: 1769994). This variant has not been reported in the literature in individuals affected with SDHA-related conditions. This variant is not present in population databases (gnomAD no frequency). This sequence change replaces alanine, which is neutral and non-polar, with valine, which is neutral and non-polar, at codon 442 of the SDHA protein (p.Ala442Val). Advanced modeling of protein sequence and biophysical properties (such as structural, functional, and spatial information, amino acid conservation, physicochemical variation, residue mobility, and thermodynamic stability) has been performed at Invitae for this missense variant, however the output from this modeling did not meet the statistical confidence thresholds required to predict the impact of this variant on SDHA protein function. In summary, the available evidence is currently insufficient to determine the role of this variant in disease. Therefore, it has been classified as a Variant of Uncertain Significance.

Ambry Genetics
Classification: Uncertain significance for Hereditary cancer-predisposing syndrome. Last evaluated: 2017-12-04. Review status: criteria provided, single submitter. Criteria: Ambry Variant Classification Scheme 2023. Collection method: clinical testing. Allele origin: germline.
Comment: The p.A442V variant (also known as c.1325C>T), located in coding exon 10 of the SDHA gene, results from a C to T substitution at nucleotide position 1325. The alanine at codon 442 is replaced by valine, an amino acid with similar properties. This amino acid position is well conserved in available vertebrate species. In addition, the in silico prediction for this alteration is inconclusive. Since supporting evidence is limited at this time, the clinical significance of this alteration remains unclear.